The following is an entry in ClinVar:

NM_017950.4(CCDC40):c.3211C>T (p.Arg1071Cys)

Gene: CCDC40 (coiled-coil domain 40 molecular ruler complex subunit; plus strand). Cytogenetic location: 17q25.3.
Variant type: single nucleotide variant.
Coding change: c.3211C>T on transcript NM_017950.4 (MANE Select); coding-DNA position 3211, C replaced by T.
Protein change: p.Arg1071Cys; replaces arginine 1071 with cysteine.
Molecular consequence: missense variant.
Genome position (GRCh38, 1-based): chr17:80,099,557, C>T. VCF-style: chr17-80099557-C-T. GRCh37 (hg19) VCF-style: chr17-78073356-C-T.
Other names: short protein forms R1071C.
Identifiers: ClinVar variation 3828634 (VCV003828634.2).
Genomic context (GRCh38, chr17:80,099,557, plus strand): 5'-GCCCTATATGGAGTCTCTTTTCCTACCCAGAACCTTTCAGAGATCGTGGCCCTGCAGACA[C>T]GCCTTAAGCACCTGCAGGCTGTGAAGGAGGGGCGCTACGTGTTCCTGTTCCGCTCCAAGC-3'
Protein context (NP_060420.2, residues 1061-1081): NLSEIVALQT[Arg1071Cys]LKHLQAVKEG

ClinVar aggregate classification (germline): Uncertain significance. Review status: criteria provided, multiple submitters, no conflicts (2 of 4 stars). 2 submissions from 2 submitters: Uncertain significance (2). Last evaluated 2025-01-28.

Conditions:
Primary ciliary dyskinesia. Also called: Ciliary dyskinesia. Identifiers: Orphanet 244, MedGen C0008780, MONDO:0016575, HP:0012265.

gnomAD v4.1: 142 of 1,612,060 alleles (0.0088%); highest among the groups gnomAD compares: Non-Finnish European, 0.01%; no homozygotes.

Submissions (2):

Ambry Genetics
Classification: Uncertain significance for Primary ciliary dyskinesia. Last evaluated: 2025-01-28. Review status: criteria provided, single submitter. Criteria: Ambry Variant Classification Scheme 2023. Collection method: clinical testing. Allele origin: germline.
Comment: The p.R1071C variant (also known as c.3211C>T), located in coding exon 20 of the CCDC40 gene, results from a C to T substitution at nucleotide position 3211. The arginine at codon 1071 is replaced by cysteine, an amino acid with highly dissimilar properties. This amino acid position is conserved. In addition, the in silico prediction for this alteration is inconclusive. Based on the available evidence, the clinical significance of this variant remains unclear.

Blueprint Genetics
Classification: Uncertain significance. Last evaluated: 2022-05-04. Review status: criteria provided, single submitter. Criteria: ACMG Guidelines, 2015. Collection method: clinical testing. Allele origin: germline.